The following is an entry in ClinVar:

NM_032531.4(KIRREL3):c.1911C>T (p.Tyr637=)

Gene: KIRREL3 (kirre like nephrin family adhesion molecule 3; minus strand). Cytogenetic location: 11q24.2.
Variant type: single nucleotide variant.
Coding change: c.1911C>T on transcript NM_032531.4 (MANE Select); coding-DNA position 1911, C replaced by T.
Protein change: p.Tyr637=; no amino-acid change (tyrosine 637 retained).
Molecular consequence: synonymous variant.
Genome position (GRCh38, 1-based): chr11:126,425,006, G>A on the plus strand (C>T on the coding strand, the complement: KIRREL3 is on the minus strand). VCF-style: chr11-126425006-G-A. GRCh37 (hg19) VCF-style: chr11-126294901-G-A.
Other names: c.1875C>T, p.Tyr625= (NM_001301097.2).
Identifiers: ClinVar variation 1782509 (VCV001782509.4), dbSNP rs577250083, ClinGen allele CA6355686.
Genomic context (GRCh38, chr11:126,425,006, plus strand): 5'-GCAGCTGGAGAGGGAGATGGTCGGGGTTGAGTGGTGCTCTTTGAAGGTGTTGACGCTGTA[G>A]TAGCCATTGGTGGGGTCCTGGATGGGCGAGAGGAAGAGGAGCGTCACCTGGTGGAGTCTC-3'
Protein context (NP_115920.1, residues 627-647): FQNLKDPTNG[Tyr637=]YSVNTFKEHH

ClinVar aggregate classification (germline): Likely benign. Review status: criteria provided, single submitter (1 of 4 stars). 2 submissions from 2 submitters: Likely benign (1). 1 of the submissions does not count toward it. Last evaluated 2019-10-23.

Conditions:
KIRREL3-related disorder. Also called: KIRREL3-related condition.

Allele frequency attached by ClinVar (database versions not stated): gnomAD exomes 0.00001; gnomAD 0.00003; TOPMed 0.00004; 1000 Genomes Project 30x 0.00016; 1000 Genomes Project 0.00020.
gnomAD v4.1: 25 of 1,542,704 alleles (0.0016%); highest among the groups gnomAD compares: East Asian, 0.043%; no homozygotes.

Submissions (2):

Ambry Genetics
Classification: Likely benign. Last evaluated: 2019-10-23. Review status: criteria provided, single submitter. Criteria: Ambry Variant Classification Scheme 2023. Collection method: clinical testing. Allele origin: germline.

PreventionGenetics, part of Exact Sciences
Classification: Likely benign for KIRREL3-related condition. Last evaluated: 2019-05-15. Review status: no assertion criteria provided. Collection method: clinical testing. Allele origin: germline. Not counted in ClinVar's aggregate classification.
Comment: This variant is classified as likely benign based on ACMG/AMP sequence variant interpretation guidelines (Richards et al. 2015 PMID: 25741868, with internal and published modifications).